The following is an entry in ClinVar:

NM_001005242.3(PKP2):c.16G>T (p.Ala6Ser)

Gene: PKP2 (plakophilin 2; minus strand). Cytogenetic location: 12p11.21.
Variant type: single nucleotide variant.
Coding change: c.16G>T on transcript NM_001005242.3 (MANE Select); coding-DNA position 16, G replaced by T.
Protein change: p.Ala6Ser; replaces alanine 6 with serine.
Molecular consequence: missense variant.
Genome position (GRCh38, 1-based): chr12:32,896,716, C>A on the plus strand (G>T on the coding strand, the complement: PKP2 is on the minus strand). VCF-style: chr12-32896716-C-A. GRCh37 (hg19) VCF-style: chr12-33049650-C-A.
Other names: c.16G>T, p.Ala6Ser (NM_004572.4); short protein forms A6S.
Identifiers: ClinVar variation 922247 (VCV000922247.6), dbSNP rs1190256335, ClinGen allele CA384371787.

ClinVar aggregate classification (germline): Uncertain significance. Review status: criteria provided, multiple submitters, no conflicts (2 of 4 stars). 2 submissions from 2 submitters: Uncertain significance (2). Last evaluated 2024-03-06.

Conditions:
Arrhythmogenic right ventricular cardiomyopathy (ARVD). Also called: Arrhythmogenic cardiomyopathy; Cardiomyopathy, ARVC; Arrhythmogenic right ventricular dysplasia; Arrhythmogenic Right Ventricular Cardiomyopathy (ARVC). Identifiers: Orphanet 247, MedGen C0349788, MeSH D019571, MONDO:0016587. Disease mechanism: loss of function. Inheritance: Various modes of inheritance.
Cardiomyopathy (CMYO). Also called: Cardiomyopathies. Identifiers: Orphanet 167848, MedGen C0878544, MONDO:0004994, HP:0001638. Inheritance: Various modes of inheritance.

Submissions (2):

Color Diagnostics, LLC DBA Color Health
Classification: Uncertain significance for Cardiomyopathy. Last evaluated: 2024-03-06. Review status: criteria provided, single submitter. Criteria: ACMG Guidelines, 2015. Collection method: clinical testing. Allele origin: germline.
Comment: This missense variant replaces alanine with serine at codon 6 of the PKP2 protein. Computational prediction suggests that this variant may not impact protein structure and function (internally defined REVEL score threshold <= 0.5, PMID: 27666373). To our knowledge, functional studies have not been reported for this variant. This variant has not been reported in individuals affected with cardiovascular disorders in the literature. This variant has not been identified in the general population by the Genome Aggregation Database (gnomAD). The available evidence is insufficient to determine the role of this variant in disease conclusively. Therefore, this variant is classified as a Variant of Uncertain Significance.

All of Us Research Program, National Institutes of Health
Classification: Uncertain significance for Arrhythmogenic right ventricular cardiomyopathy. Last evaluated: 2023-05-04. Review status: criteria provided, single submitter. Criteria: ACMG Guidelines, 2015. Collection method: clinical testing. Allele origin: germline. Inheritance: Autosomal dominant inheritance. Observed: 1 variant allele, 1 heterozygote.
Comment: This missense variant replaces alanine with serine at codon 6 of the PKP2 protein. Computational prediction suggests that this variant may not impact protein structure and function (internally defined REVEL score threshold <= 0.5, PMID: 27666373). To our knowledge, functional studies have not been reported for this variant. This variant has not been reported in individuals affected with cardiovascular disorders in the literature. This variant has not been identified in the general population by the Genome Aggregation Database (gnomAD). The available evidence is insufficient to determine the role of this variant in disease conclusively. Therefore, this variant is classified as a Variant of Uncertain Significance.

This study involves interpretation of variants in research participants for the purpose of population health screening. Participant phenotype was not available at the time of variant classification. Additional details can be found in publication PMID: 35346344, PMCID: PMC8962531